The following is an entry in ClinVar:

NM_000038.6(APC):c.6717C>T (p.Ser2239=)

Gene: APC (APC regulator of Wnt signaling pathway; plus strand). Cytogenetic location: 5q22.2.
Variant type: single nucleotide variant.
Coding change: c.6717C>T on transcript NM_000038.6 (MANE Select); coding-DNA position 6717, C replaced by T.
Protein change: p.Ser2239=; no amino-acid change (serine 2239 retained).
Molecular consequence: synonymous variant.
Genome position (GRCh38, 1-based): chr5:112,842,311, C>T. VCF-style: chr5-112842311-C-T. GRCh37 (hg19) VCF-style: chr5-112178008-C-T.
Other names: c.6642C>T, p.Ser2214= (NM_001354898.2); c.6594C>T, p.Ser2198= (NM_001354900.2); c.6633C>T, p.Ser2211= (NM_001354899.2); c.6540C>T, p.Ser2180= (NM_001354901.2); c.6444C>T, p.Ser2148= (NM_001354902.2); c.6414C>T, p.Ser2138= (NM_001354903.2); c.5868C>T, p.Ser1956= (NM_001354906.2); c.6339C>T, p.Ser2113= (NM_001354904.2); and 5 more.
Identifiers: ClinVar variation 926376 (VCV000926376.8), dbSNP rs1580673845, ClinGen allele CA446209962.

ClinVar aggregate classification (germline): Benign/Likely benign. Review status: criteria provided, multiple submitters, no conflicts (2 of 4 stars). 4 submissions from 4 submitters: Benign (1); Likely benign (3). Last evaluated 2024-04-05.

Conditions:
Hereditary cancer-predisposing syndrome. Also called: Neoplastic Syndromes, Hereditary; Tumor predisposition; Hereditary Cancer Syndrome; Hereditary neoplastic syndrome. Identifiers: Orphanet 140162, MedGen C0027672, MeSH D009386, MONDO:0015356.
Familial adenomatous polyposis 1 (FAP1). Also called: FAMILIAL ADENOMATOUS POLYPOSIS 1, ATTENUATED; POLYPOSIS, ADENOMATOUS INTESTINAL. Identifiers: MedGen C2713442, MONDO:0021056, OMIM 175100. Disease mechanism: loss of function.

Submissions (4):

Myriad Genetics, Inc.
Classification: Benign for Familial adenomatous polyposis 1. Last evaluated: 2024-04-05. Review status: criteria provided, single submitter. Criteria: Myriad Autosomal Dominant, Autosomal Recessive and X-Linked Classification Criteria (2023). Collection method: clinical testing. Allele origin: unknown.
Comment: This variant is considered benign. This variant is a silent/synonymous amino acid change and it is not expected to impact splicing.

Labcorp Genetics (formerly Invitae), Labcorp
Classification: Likely benign for Familial adenomatous polyposis 1. Last evaluated: 2024-02-01. Review status: criteria provided, single submitter. Criteria: Invitae Variant Classification Sherloc (09022015). Collection method: clinical testing. Allele origin: germline.

Ambry Genetics
Classification: Likely benign for Hereditary cancer-predisposing syndrome. Last evaluated: 2022-06-20. Review status: criteria provided, single submitter. Criteria: Ambry Variant Classification Scheme 2023. Collection method: clinical testing. Allele origin: germline.

Color Diagnostics, LLC DBA Color Health
Classification: Likely benign for Hereditary cancer-predisposing syndrome. Last evaluated: 2020-01-02. Review status: criteria provided, single submitter. Criteria: ACMG Guidelines, 2015. Collection method: clinical testing. Allele origin: germline.